The following is an entry in ClinVar:

NM_001942.4(DSG1):c.40A>G (p.Ile14Val)

Gene: DSG1 (desmoglein 1; plus strand). Cytogenetic location: 18q12.1.
Variant type: single nucleotide variant.
Coding change: c.40A>G on transcript NM_001942.4 (MANE Select); coding-DNA position 40, A replaced by G.
Protein change: p.Ile14Val; replaces isoleucine 14 with valine.
Molecular consequence: missense variant.
Genome position (GRCh38, 1-based): chr18:31,318,340, A>G. VCF-style: chr18-31318340-A-G. GRCh37 (hg19) VCF-style: chr18-28898303-A-G.
Other names: short protein forms I14V.
Identifiers: ClinVar variation 1718668 (VCV001718668.5), dbSNP rs141269991, ClinGen allele CA402127370.

ClinVar aggregate classification (germline): Uncertain significance (1 of 4 stars; one submission).

gnomAD v4.1: 2 of 1,613,018 alleles (0.00012%); highest among the groups gnomAD compares: South Asian, 0.0011%; no homozygotes.

Submission:

Labcorp Genetics (formerly Invitae), Labcorp
Classification: Uncertain significance. Last evaluated: 2022-09-02. Review status: criteria provided, single submitter. Criteria: Invitae Variant Classification Sherloc (09022015). Collection method: clinical testing. Allele origin: germline.
Comment: In summary, the available evidence is currently insufficient to determine the role of this variant in disease. Therefore, it has been classified as a Variant of Uncertain Significance. Algorithms developed to predict the effect of missense changes on protein structure and function (SIFT, PolyPhen-2, Align-GVGD) all suggest that this variant is likely to be tolerated. This variant has not been reported in the literature in individuals affected with DSG1-related conditions. This variant is not present in population databases (gnomAD no frequency). This sequence change replaces isoleucine, which is neutral and non-polar, with valine, which is neutral and non-polar, at codon 14 of the DSG1 protein (p.Ile14Val).